The following is an entry in ClinVar:

NM_001354604.2(MITF):c.1312C>G (p.His438Asp)

Gene: MITF (melanocyte inducing transcription factor; plus strand). Cytogenetic location: 3p13.
Variant type: single nucleotide variant.
Coding change: c.1312C>G on transcript NM_001354604.2 (MANE Select); coding-DNA position 1312, C replaced by G.
Protein change: p.His438Asp; replaces histidine 438 with aspartic acid.
Molecular consequence: missense variant.
Genome position (GRCh38, 1-based): chr3:69,964,979, C>G. VCF-style: chr3-69964979-C-G. GRCh37 (hg19) VCF-style: chr3-70014130-C-G.
Other names: c.991C>G, p.His331Asp (NM_000248.4); c.1138C>G, p.His380Asp (NM_001184967.2, NM_001354608.2); c.1309C>G, p.His437Asp (NM_001354605.2); c.1291C>G, p.His431Asp (NM_001354606.2, NM_006722.3); c.1243C>G, p.His415Asp (NM_001354607.2); c.973C>G, p.His325Asp (NM_198158.3); c.1294C>G, p.His432Asp (NM_198159.3); c.1246C>G, p.His416Asp (NM_198177.3); and 1 more; short protein forms H269D, H325D, H331D, H380D, H415D, H416D, H431D, H432D.
Identifiers: ClinVar variation 3749662 (VCV003749662.3).

ClinVar aggregate classification (germline): Uncertain significance. Review status: criteria provided, multiple submitters, no conflicts (2 of 4 stars). 2 submissions from 2 submitters: Uncertain significance (2). Last evaluated 2025-02-22.

Conditions:
Hereditary cancer-predisposing syndrome. Also called: Tumor predisposition; Hereditary Cancer Syndrome; Hereditary neoplastic syndrome; Neoplastic Syndromes, Hereditary. Identifiers: Orphanet 140162, MedGen C0027672, MeSH D009386, MONDO:0015356.
Melanoma, cutaneous malignant, susceptibility to, 8. Also called: Cutaneous malignant melanoma 8; MELANOMA AND RENAL CELL CARCINOMA, SUSCEPTIBILITY TO. Identifiers: Orphanet 293822, MedGen C3152204, MONDO:0013759, OMIM 614456.
Tietz syndrome (TADS). Also called: HYPOPIGMENTATION/DEAFNESS OF TIETZ; TIETZ ALBINISM-DEAFNESS SYNDROME; ALBINISM-DEAFNESS OF TIETZ. Identifiers: Orphanet 42665, MedGen C0391816, MONDO:0007077, OMIM 103500.
Waardenburg syndrome type 2A (WS2A). Also called: WAARDENBURG SYNDROME WITHOUT DYSTOPIA CANTHORUM. Identifiers: Orphanet 3440, MedGen C1860339, MONDO:0008671, OMIM 193510.

gnomAD v4.1: 14 of 1,614,042 alleles (0.00087%); highest among the groups gnomAD compares: Non-Finnish European, 0.0012%; no homozygotes.

Submissions (2):

Ambry Genetics
Classification: Uncertain significance for Hereditary cancer-predisposing syndrome. Last evaluated: 2025-02-22. Review status: criteria provided, single submitter. Criteria: Ambry Variant Classification Scheme 2023. Collection method: clinical testing. Allele origin: germline.
Comment: The p.H331D variant (also known as c.991C>G), located in coding exon 9 of the MITF gene, results from a C to G substitution at nucleotide position 991. The histidine at codon 331 is replaced by aspartic acid, an amino acid with similar properties. This amino acid position is conserved. In addition, the in silico prediction for this alteration is inconclusive. Based on the available evidence, the clinical significance of this variant remains unclear.

Labcorp Genetics (formerly Invitae), Labcorp
Classification: Uncertain significance for Melanoma, cutaneous malignant, susceptibility to, 8; Waardenburg syndrome type 2A; Tietz syndrome. Last evaluated: 2025-01-26. Review status: criteria provided, single submitter. Criteria: Invitae Variant Classification Sherloc (09022015). Collection method: clinical testing. Allele origin: germline.
Comment: This sequence change replaces histidine, which is basic and polar, with aspartic acid, which is acidic and polar, at codon 331 of the MITF protein (p.His331Asp). This variant is not present in population databases (gnomAD no frequency). This variant has not been reported in the literature in individuals affected with MITF-related conditions. Invitae Evidence Modeling of protein sequence and biophysical properties (such as structural, functional, and spatial information, amino acid conservation, physicochemical variation, residue mobility, and thermodynamic stability) indicates that this missense variant is not expected to disrupt MITF protein function with a negative predictive value of 80%. In summary, the available evidence is currently insufficient to determine the role of this variant in disease. Therefore, it has been classified as a Variant of Uncertain Significance.